The following is an entry in ClinVar:

NM_001291303.3(FAT4):c.6843+1G>T

Gene: FAT4 (FAT atypical cadherin 4; plus strand). Cytogenetic location: 4q28.1.
Variant type: single nucleotide variant.
Coding change: c.6843+1G>T on transcript NM_001291303.3 (MANE Select); the canonical splice donor site of the intron after coding-DNA position 6843, G replaced by T.
Molecular consequence: splice donor variant.
Genome position (GRCh38, 1-based): chr4:125,415,807, G>T. VCF-style: chr4-125415807-G-T. GRCh37 (hg19) VCF-style: chr4-126336962-G-T.
Other names: c.6843+1G>T (NM_001291285.3, NM_024582.6).
Identifiers: ClinVar variation 1515017 (VCV001515017.6), dbSNP rs2126028189, ClinGen allele CA358130654.

ClinVar aggregate classification (germline): Likely pathogenic (1 of 4 stars; one submission).

Submission:

Labcorp Genetics (formerly Invitae), Labcorp
Classification: Likely pathogenic. Last evaluated: 2021-08-09. Review status: criteria provided, single submitter. Criteria: Invitae Variant Classification Sherloc (09022015). Collection method: clinical testing. Allele origin: germline.
Comment: This variant has not been reported in the literature in individuals affected with FAT4-related conditions. In summary, the currently available evidence indicates that the variant is pathogenic, but additional data are needed to prove that conclusively. Therefore, this variant has been classified as Likely Pathogenic. Algorithms developed to predict the effect of sequence changes on RNA splicing suggest that this variant may disrupt the consensus splice site. This variant is not present in population databases (ExAC no frequency). This sequence change affects a donor splice site in intron 5 of the FAT4 gene. It is expected to disrupt RNA splicing. Variants that disrupt the donor or acceptor splice site typically lead to a loss of protein function (PMID: 16199547), and loss-of-function variants in FAT4 are known to be pathogenic (PMID: 24056717, 24913602).

Literature cited by the submitters: PubMed 16199547; PubMed 24056717; PubMed 24913602.